The following is an entry in ClinVar:

ClinVar aggregate classification (germline): Likely benign (1 of 4 stars; one submission).

Allele frequency attached by ClinVar (database versions not stated): TOPMed 0.00001.

Submission:

GeneDx
Classification: Likely benign. Last evaluated: 2018-03-23. Review status: criteria provided, single submitter. Criteria: GeneDx Variant Classification (06012015). Collection method: clinical testing. Allele origin: germline. Affected: yes.
Comment: This variant is considered likely benign or benign based on one or more of the following criteria: it is a conservative change, it occurs at a poorly conserved position in the protein, it is predicted to be benign by multiple in silico algorithms, and/or has population frequency not consistent with disease.

NM_022464.5(SIL1):c.294G>T (p.Gly98=)

Gene: SIL1 (SIL1 nucleotide exchange factor; minus strand). Cytogenetic location: 5q31.2.
Variant type: single nucleotide variant.
Coding change: c.294G>T on transcript NM_022464.5 (MANE Select); coding-DNA position 294, G replaced by T.
Protein change: p.Gly98=; no amino-acid change (glycine 98 retained).
Molecular consequence: synonymous variant.
Genome position (GRCh38, 1-based): chr5:139,050,997, C>A on the plus strand (G>T on the coding strand, the complement: SIL1 is on the minus strand). VCF-style: chr5-139050997-C-A. GRCh37 (hg19) VCF-style: chr5-138386686-C-A.
Other names: c.294G>T, p.Gly98= (NM_001037633.2).
Identifiers: ClinVar variation 681093 (VCV000681093.1), dbSNP rs1581059833, ClinGen allele CA446718494.
Genomic context (GRCh38, chr5:139,050,997, plus strand): 5'-CCTTTTGCCTTTCAAATTATTTCGGAACTTGTCCTCATATTGGAGTTTTGCCTCTCTTTC[C>A]CCAGTCTGAAGATTCAGCCGTACGTGGGATCCTGCAGGGACAGCCTGCCCTAAAAGCCAA-3'
Protein context (NP_071909.1, residues 88-108): GSHVRLNLQT[Gly98=]EREAKLQYED